The following is an entry in ClinVar:

NM_000330.4(RS1):c.580ATC[3] (p.Ile195_Ser196insIle)

Genes: CDKL5 (cyclin dependent kinase like 5; plus strand), RS1 (retinoschisin 1; minus strand). Cytogenetic location: Xp22.13.
Variant type: Microsatellite.
Coding change: c.580ATC[3] on transcript NM_000330.4 (MANE Select); three copies in a row of the 3-base unit ATC starting at c.580; the reference has two copies in a row; one copy, 3 bases duplicated.
Protein change: p.Ile195_Ser196insIle.
Molecular consequence: inframe insertion. On other transcripts: intron variant (2), inframe indel (1).
Genome position (GRCh38, 1-based): chrX:18,642,094-18,642,096, GAT duplicated on the plus strand (ATC on the coding strand, the reverse complement: RS1 is on the minus strand); duplicating any 3 consecutive bases within chrX:18,642,094-18,642,100 gives the same sequence; the position shown is the placement nearest the transcript's 3' end. VCF-style (leftmost placement, unchanged base first): chrX-18642093-A-AGAT. GRCh37 (hg19) VCF-style: chrX-18660213-A-AGAT.
Other names: NM_000330.4(RS1):c.580ATC[3]; p.Ile195_Ser196insIle; c.2714-3913GAT[3] (NM_003159.3, NM_001037343.2); c.583_585dupATC (NM_000330.3).
Identifiers: ClinVar variation 68077 (VCV000068077.5), dbSNP rs199469701, ClinGen allele CA218972.
Genomic context (GRCh38, chrX:18,642,093, plus strand): 5'-GCTCCATCCGGATGGCAATGCGGACGTGCCAGCCCAGCGGGATGAGGCGGATGAAGCGGG[A>AGAT]GATGATGGGGGGCCGCAGCAGGTTCTGAACCGTGGAGGTGCGGTCCGAGTTGCCATAGAA-3'

ClinVar aggregate classification (germline): Uncertain significance. Review status: reviewed by expert panel (3 of 4 stars). 2 submissions from 2 submitters: Uncertain significance (1). 1 of the submissions does not count toward it. Last evaluated 2025-05-19.

Conditions:
Juvenile retinoschisis (RS1). Also called: X-Linked Juvenile Retinoschisis; X-linked retinoschisis. Identifiers: Orphanet 792, MedGen C3714753, MONDO:0010725, OMIM 312700.

Submissions (2):

ClinGen X-linked Inherited Retinal Disease Variant Curation Expert Panel, ClinGen
Classification: Uncertain significance for Juvenile retinoschisis. Last evaluated: 2025-05-19. Review status: reviewed by expert panel. Criteria: ClinGen X LinkedIRD ACMG Specifications RS1 V1.0.0. Collection method: curation. Allele origin: germline. Inheritance: X-linked inheritance.
Comment: The NM_000330.4(RS1):c.583_585dup variant is an in-frame duplication variant in amino acid 195 not predicted to result in premature protein termination. This variant is absent from hemizygous individuals in gnomAD v4.1.0 (PM2_Supporting). This variant is a short in-frame insertion of 3 base pairs that encode additional residues between amino acids 195-196 within a non-repetitive region of RS1 (PM4). COS-7 cells exogenously expressing the variant exhibit loss of RS1 secretion into the medium relative to the wild-type control (PMID: 29851975, PS3_Supporting). At least one proband harboring this variant exhibits a phenotype including the appearance of schisis and reduced visual acuity before age 13 years, which together are specific for X-linked retinoschisis (PMID: 29851975, PP4). In summary, this variant is classified as a variant of uncertain significance for X-linked retinoschisis based on the ClinGen X-linked Inherited Retinal Disease Expert Panel Specifications to the ACMG/AMP Variant Interpretation Guidelines for RS1 Version 1.0.0: PM2_supporting, PM4, PS3_supporting, and PP4 (date of approval 01/24/2025).

SN ONGC Dept of Genetics and Molecular biology Vision Research Foundation
Classification: Uncertain significance. Review status: no assertion criteria provided. Collection method: not provided. Allele origin: germline. Not counted in ClinVar's aggregate classification.
Comment: macular schisis
ClinVar note: Converted during submission from unknown to Uncertain significance.

Literature cited by the submitters: PubMed 29851975 (cited by ClinGen X-linked Inherited Retinal Disease Variant Curation Expert Panel, ClinGen).